The following is an entry in ClinVar:

NM_033026.6(PCLO):c.11698C>T (p.Pro3900Ser)

Gene: PCLO (piccolo presynaptic cytomatrix protein; minus strand). Cytogenetic location: 7q21.11.
Variant type: single nucleotide variant.
Coding change: c.11698C>T on transcript NM_033026.6 (MANE Select); coding-DNA position 11698, C replaced by T.
Protein change: p.Pro3900Ser; replaces proline 3900 with serine.
Molecular consequence: missense variant.
Genome position (GRCh38, 1-based): chr7:82,916,288, G>A on the plus strand (C>T on the coding strand, the complement: PCLO is on the minus strand). VCF-style: chr7-82916288-G-A. GRCh37 (hg19) VCF-style: chr7-82545604-G-A.
Other names: c.11698C>T, p.Pro3900Ser (NM_014510.3); short protein forms P3900S.
Identifiers: ClinVar variation 1450038 (VCV001450038.4), dbSNP rs772380991, ClinGen allele CA4319519.
Genomic context (GRCh38, chr7:82,916,288, plus strand): 5'-AAACTTGCTGATGGTACAAAGTTTGTTGCTCAAAATGAGACTGTTGAGTGTATGAGGTGG[G>A]TGCTTGGGTAGGAAGAGCAGGGGAAGAGTACTGGTATTGTGTGTAAGGACTTGTCGGAGG-3'
Protein context (NP_149015.2, residues 3890-3910): YSSPALPTQA[Pro3900Ser]TSYTQQSHFE

ClinVar aggregate classification (germline): Uncertain significance (1 of 4 stars; one submission).

Allele frequency attached by ClinVar (database versions not stated): gnomAD exomes 0.00004 and 0.00008; ExAC 0.00006; TOPMed 0.00007; gnomAD 0.00008 and 0.00009.
gnomAD v4.1: 126 of 1,613,580 alleles (0.0078%); highest among the groups gnomAD compares: Non-Finnish European, 0.01%; no homozygotes.

Submission:

Labcorp Genetics (formerly Invitae), Labcorp
Classification: Uncertain significance. Last evaluated: 2024-10-22. Review status: criteria provided, single submitter. Criteria: Invitae Variant Classification Sherloc (09022015). Collection method: clinical testing. Allele origin: germline.
Comment: This sequence change replaces proline, which is neutral and non-polar, with serine, which is neutral and polar, at codon 3900 of the PCLO protein (p.Pro3900Ser). This variant is present in population databases (rs772380991, gnomAD 0.009%). This variant has not been reported in the literature in individuals affected with PCLO-related conditions. ClinVar contains an entry for this variant (Variation ID: 1450038). Experimental studies and prediction algorithms are not available or were not evaluated, and the functional significance of this variant is currently unknown. In summary, the available evidence is currently insufficient to determine the role of this variant in disease. Therefore, it has been classified as a Variant of Uncertain Significance.